The following is an entry in ClinVar:

NM_004304.5(ALK):c.3513C>G (p.Ile1171Met)

Gene: ALK (ALK receptor tyrosine kinase; minus strand). Cytogenetic location: 2p23.2.
Variant type: single nucleotide variant.
Coding change: c.3513C>G on transcript NM_004304.5 (MANE Select); coding-DNA position 3513, C replaced by G.
Protein change: p.Ile1171Met; replaces isoleucine 1171 with methionine.
Molecular consequence: missense variant.
Genome position (GRCh38, 1-based): chr2:29,222,346, G>C on the plus strand (C>G on the coding strand, the complement: ALK is on the minus strand). VCF-style: chr2-29222346-G-C. GRCh37 (hg19) VCF-style: chr2-29445212-G-C.
Other names: c.309C>G, p.Ile103Met (NM_001353765.2); short protein forms I1171M, I103M.
Identifiers: ClinVar variation 640114 (VCV000640114.12), dbSNP rs760322018, ClinGen allele CA1593919.
Genomic context (GRCh38, chr2:29,222,346, plus strand): 5'-TCCAGGTTCTTTGGGGGCAGAGGGGAGTTGGGGTGAGGGTGTCTCTCTGTGGCTTTACCT[G>C]ATGATCAGGGCTTCCATGAGGAAATCCAGTTCGTCCTGTTCAGAGCACACTTCAGGCAGC-3'
Protein context (NP_004295.2, residues 1161-1181): ELDFLMEALI[Ile1171Met]SKFNHQNIVR

ClinVar aggregate classification (germline): Uncertain significance. Review status: criteria provided, multiple submitters, no conflicts (2 of 4 stars). 3 submissions from 3 submitters: Uncertain significance (3). Last evaluated 2025-12-10.

Conditions:
Hereditary cancer-predisposing syndrome. Also called: Neoplastic Syndromes, Hereditary; Hereditary Cancer Syndrome; Hereditary neoplastic syndrome; Tumor predisposition. Identifiers: Orphanet 140162, MedGen C0027672, MeSH D009386, MONDO:0015356.
Neuroblastoma, susceptibility to, 3. Also called: ALK-Related Neuroblastic Tumor Susceptibility. Identifiers: Orphanet 635, MedGen C2751681, MONDO:0013083, OMIM 613014.

Allele frequency attached by ClinVar (database versions not stated): gnomAD exomes below 0.00001; ExAC 0.00001; gnomAD 0.00002; TOPMed 0.00003.
gnomAD v4.1: 3 of 1,613,938 alleles (0.00019%); highest among the groups gnomAD compares: African/African-American, 0.004%; no homozygotes.

Submissions (3):

Labcorp Genetics (formerly Invitae), Labcorp
Classification: Uncertain significance for Neuroblastoma, susceptibility to, 3. Last evaluated: 2025-12-10. Review status: criteria provided, single submitter. Criteria: Invitae Variant Classification Sherloc (09022015). Collection method: clinical testing. Allele origin: germline.
Comment: This sequence change replaces isoleucine, which is neutral and non-polar, with methionine, which is neutral and non-polar, at codon 1171 of the ALK protein (p.Ile1171Met). This variant is present in population databases (rs760322018, gnomAD 0.007%). This variant has not been reported in the literature in individuals affected with ALK-related conditions. ClinVar contains an entry for this variant (Variation ID: 640114). An algorithm developed to predict the effect of missense changes on protein structure and function (PolyPhen-2) suggests that this variant is likely to be disruptive. In summary, the available evidence is currently insufficient to determine the role of this variant in disease. Therefore, it has been classified as a Variant of Uncertain Significance.

Ambry Genetics
Classification: Uncertain significance for Hereditary cancer-predisposing syndrome. Last evaluated: 2025-03-31. Review status: criteria provided, single submitter. Criteria: Ambry Variant Classification Scheme 2023. Collection method: clinical testing. Allele origin: germline.
Comment: The p.I1171M variant (also known as c.3513C>G), located in coding exon 22 of the ALK gene, results from a C to G substitution at nucleotide position 3513. The isoleucine at codon 1171 is replaced by methionine, an amino acid with highly similar properties. This amino acid position is highly conserved in available vertebrate species. In addition, the in silico prediction for this alteration is inconclusive. Based on the available evidence, the clinical significance of this variant remains unclear.

GeneDx
Classification: Uncertain significance. Last evaluated: 2024-05-16. Review status: criteria provided, single submitter. Criteria: GeneDx Variant Classification Process June 2021. Collection method: clinical testing. Allele origin: germline. Affected: yes.
Comment: Not observed at significant frequency in large population cohorts (gnomAD); In silico analysis indicates that this missense variant does not alter protein structure/function; Has not been previously published as pathogenic or benign to our knowledge